The following is an entry in ClinVar:

NM_002227.4(JAK1):c.940G>A (p.Glu314Lys)

Gene: JAK1 (Janus kinase 1; minus strand). Cytogenetic location: 1p31.3.
Variant type: single nucleotide variant.
Coding change: c.940G>A on transcript NM_002227.4 (MANE Select); coding-DNA position 940, G replaced by A.
Protein change: p.Glu314Lys; replaces glutamic acid 314 with lysine.
Molecular consequence: missense variant.
Genome position (GRCh38, 1-based): chr1:64,866,916, C>T on the plus strand (G>A on the coding strand, the complement: JAK1 is on the minus strand). VCF-style: chr1-64866916-C-T. GRCh37 (hg19) VCF-style: chr1-65332599-C-T.
Other names: c.940G>A, p.Glu314Lys (NM_001320923.2, NM_001321852.2, NM_001321853.2 and 4 more transcripts); c.940G>A (NM_002227.2); short protein forms E314K.
Identifiers: ClinVar variation 2798839 (VCV002798839.4), dbSNP rs758451418, ClinGen allele CA893068.

ClinVar aggregate classification (germline): Uncertain significance. Review status: criteria provided, multiple submitters, no conflicts (2 of 4 stars). 2 submissions from 2 submitters: Uncertain significance (2). Last evaluated 2024-06-17.

Conditions:
Inborn genetic diseases. Identifiers: MedGen C0950123, MeSH D030342.

Allele frequency attached by ClinVar (database versions not stated): gnomAD exomes below 0.00001; TOPMed below 0.00001; ExAC 0.00001.
gnomAD v4.1: 4 of 1,614,120 alleles (0.00025%); highest among the groups gnomAD compares: South Asian, 0.0011%; no homozygotes.

Submissions (2):

Ambry Genetics
Classification: Uncertain significance for Inborn genetic diseases. Last evaluated: 2024-06-17. Review status: criteria provided, single submitter. Criteria: Ambry Variant Classification Scheme 2023. Collection method: clinical testing. Allele origin: germline.

Labcorp Genetics (formerly Invitae), Labcorp
Classification: Uncertain significance. Last evaluated: 2023-11-21. Review status: criteria provided, single submitter. Criteria: Invitae Variant Classification Sherloc (09022015). Collection method: clinical testing. Allele origin: germline.
Comment: This sequence change replaces glutamic acid, which is acidic and polar, with lysine, which is basic and polar, at codon 314 of the JAK1 protein (p.Glu314Lys). This variant is present in population databases (rs758451418, gnomAD 0.003%). This variant has not been reported in the literature in individuals affected with JAK1-related conditions. Advanced modeling of protein sequence and biophysical properties (such as structural, functional, and spatial information, amino acid conservation, physicochemical variation, residue mobility, and thermodynamic stability) performed at Invitae indicates that this missense variant is not expected to disrupt JAK1 protein function with a negative predictive value of 80%. In summary, the available evidence is currently insufficient to determine the role of this variant in disease. Therefore, it has been classified as a Variant of Uncertain Significance.